The following is an entry in ClinVar:

ClinVar aggregate classification (germline): Uncertain significance (1 of 4 stars; one submission).

Conditions:
Glycogen storage disease IXb (GSD9B). Also called: PHOSPHORYLASE KINASE DEFICIENCY OF LIVER AND MUSCLE, AUTOSOMAL RECESSIVE; GLYCOGENOSIS OF LIVER AND MUSCLE, AUTOSOMAL RECESSIVE; GSD IXb. Identifiers: Orphanet 79240, MedGen C0543514, MONDO:0009868, OMIM 261750.

Submission:

Labcorp Genetics (formerly Invitae), Labcorp
Classification: Uncertain significance for Glycogen storage disease IXb. Last evaluated: 2024-10-29. Review status: criteria provided, single submitter. Criteria: Invitae Variant Classification Sherloc (09022015). Collection method: clinical testing. Allele origin: germline.
Comment: This sequence change replaces histidine, which is basic and polar, with arginine, which is basic and polar, at codon 693 of the PHKB protein (p.His693Arg). This variant is not present in population databases (gnomAD no frequency). This variant has not been reported in the literature in individuals affected with PHKB-related conditions. ClinVar contains an entry for this variant (Variation ID: 2107114). An algorithm developed to predict the effect of missense changes on protein structure and function (PolyPhen-2) suggests that this variant is likely to be disruptive. In summary, the available evidence is currently insufficient to determine the role of this variant in disease. Therefore, it has been classified as a Variant of Uncertain Significance.

NM_000293.3(PHKB):c.2078A>G (p.His693Arg)

Gene: PHKB (phosphorylase kinase regulatory subunit beta; plus strand). Cytogenetic location: 16q12.1.
Variant type: single nucleotide variant.
Coding change: c.2078A>G on transcript NM_000293.3 (MANE Select); coding-DNA position 2078, A replaced by G.
Protein change: p.His693Arg; replaces histidine 693 with arginine.
Molecular consequence: missense variant.
Genome position (GRCh38, 1-based): chr16:47,660,701, A>G. VCF-style: chr16-47660701-A-G. GRCh37 (hg19) VCF-style: chr16-47694612-A-G.
Other names: c.2057A>G, p.His686Arg (NM_001031835.3); c.2078A>G, p.His693Arg (NM_001363837.1); short protein forms H686R, H693R.
Identifiers: ClinVar variation 2107114 (VCV002107114.4), dbSNP rs2506606442, ClinGen allele CA395788757.
Genomic context (GRCh38, chr16:47,660,701, plus strand): 5'-TTCTTTTAATTTTTAGGCTTCCAGAATTTAAGAGTTTTGAGGAACTAGAACCTCCCAAAC[A>G]TTCAAAAGTCAAACGGCAAAGCAGCACCCCTAGTGCTCCTGAACTGGGACAGCAGCCGGA-3'
Protein context (NP_000284.1, residues 683-703): KSFEELEPPK[His693Arg]SKVKRQSSTP